The following is an entry in ClinVar:

ClinVar aggregate classification (germline): Uncertain significance. Review status: criteria provided, multiple submitters, no conflicts (2 of 4 stars). 4 submissions from 4 submitters: Uncertain significance (4). Last evaluated 2025-12-16.

Conditions:
TERT-associated disorder.
Dyskeratosis congenita, autosomal dominant 2. Identifiers: MedGen C3151443, MONDO:0013521, OMIM 613989.
Idiopathic Pulmonary Fibrosis. Also called: Idiopathic fibrosing alveolitis, chronic form; idiopathic fibrosing alveolitis. Identifiers: Orphanet 2032, MedGen C1800706, MeSH D054990, MONDO:0800504.
Dyskeratosis congenita. Identifiers: Orphanet 1775, MedGen C0265965, MONDO:0015780.

Submissions (4):

Ambry Genetics
Classification: Uncertain significance for Dyskeratosis congenita. Last evaluated: 2025-12-16. Review status: criteria provided, single submitter. Criteria: Ambry Variant Classification Scheme 2023. Collection method: clinical testing. Allele origin: germline.
Comment: The p.T182S variant (also known as c.544A>T), located in coding exon 2 of the TERT gene, results from an A to T substitution at nucleotide position 544. The threonine at codon 182 is replaced by serine, an amino acid with similar properties. This amino acid position is not well conserved in available vertebrate species. In addition, this alteration is predicted to be tolerated by in silico analysis. Based on the available evidence, the clinical significance of this variant remains unclear.

Labcorp Genetics (formerly Invitae), Labcorp
Classification: Uncertain significance for Dyskeratosis congenita, autosomal dominant 2; Idiopathic Pulmonary Fibrosis. Last evaluated: 2025-08-07. Review status: criteria provided, single submitter. Criteria: Invitae Variant Classification Sherloc (09022015). Collection method: clinical testing. Allele origin: germline.
Comment: This sequence change replaces threonine, which is neutral and polar, with serine, which is neutral and polar, at codon 182 of the TERT protein (p.Thr182Ser). This variant is not present in population databases (gnomAD no frequency). This variant has not been reported in the literature in individuals affected with TERT-related conditions. ClinVar contains an entry for this variant (Variation ID: 242243). Invitae Evidence Modeling of protein sequence and biophysical properties (such as structural, functional, and spatial information, amino acid conservation, physicochemical variation, residue mobility, and thermodynamic stability) indicates that this missense variant is not expected to disrupt TERT protein function with a negative predictive value of 95%. In summary, the available evidence is currently insufficient to determine the role of this variant in disease. Therefore, it has been classified as a Variant of Uncertain Significance.

GeneDx
Classification: Uncertain significance. Last evaluated: 2024-08-09. Review status: criteria provided, single submitter. Criteria: GeneDx Variant Classification Process June 2021. Collection method: clinical testing. Allele origin: germline. Affected: yes.
Comment: Not observed at significant frequency in large population cohorts (gnomAD); In silico analysis indicates that this missense variant does not alter protein structure/function; Observed in a pediatric patient with choroid plexus carcinoma (PMID: 32832832); This variant is associated with the following publications: (PMID: 31005274, 32832832)

Blueprint Genetics
Classification: Uncertain significance. Last evaluated: 2018-10-04. Review status: criteria provided, single submitter. Criteria: ACMG Guidelines, 2015. Collection method: clinical testing. Allele origin: germline.

NM_198253.3(TERT):c.544A>T (p.Thr182Ser)

Gene: TERT (telomerase reverse transcriptase; minus strand). Cytogenetic location: 5p15.33.
Variant type: single nucleotide variant.
Coding change: c.544A>T on transcript NM_198253.3 (MANE Select); coding-DNA position 544, A replaced by T.
Protein change: p.Thr182Ser; replaces threonine 182 with serine.
Molecular consequence: missense variant. On other transcripts: non-coding transcript variant (2).
Genome position (GRCh38, 1-based): chr5:1,294,342, T>A on the plus strand (A>T on the coding strand, the complement: TERT is on the minus strand). VCF-style: chr5-1294342-T-A. GRCh37 (hg19) VCF-style: chr5-1294457-T-A.
Other names: c.544A>T, p.Thr182Ser (NM_001193376.3); short protein forms T182S.
Identifiers: ClinVar variation 242243 (VCV000242243.17), dbSNP rs878855305, ClinGen allele CA10582366.